The following is an entry in ClinVar:

ClinVar aggregate classification (germline): Uncertain significance (1 of 4 stars; one submission).

Submission:

GeneDx
Classification: Uncertain significance. Last evaluated: 2022-10-13. Review status: criteria provided, single submitter. Criteria: GeneDx Variant Classification Process June 2021. Collection method: clinical testing. Allele origin: germline. Affected: yes.
Comment: Not observed at significant frequency in large population cohorts (gnomAD); In silico analysis supports that this missense variant has a deleterious effect on protein structure/function; Has not been previously published as pathogenic or benign to our knowledge

NM_001348768.2(HECW2):c.3529G>C (p.Gly1177Arg)

Gene: HECW2 (HECT, C2 and WW domain containing E3 ubiquitin protein ligase 2; minus strand). Cytogenetic location: 2q32.3.
Variant type: single nucleotide variant.
Coding change: c.3529G>C on transcript NM_001348768.2 (MANE Select); coding-DNA position 3529, G replaced by C.
Protein change: p.Gly1177Arg; replaces glycine 1177 with arginine.
Molecular consequence: missense variant.
Genome position (GRCh38, 1-based): chr2:196,253,920, C>G on the plus strand (G>C on the coding strand, the complement: HECW2 is on the minus strand). VCF-style: chr2-196253920-C-G. GRCh37 (hg19) VCF-style: chr2-197118644-C-G.
Other names: c.2461G>C, p.Gly821Arg (NM_001304840.3); c.3529G>C, p.Gly1177Arg (NM_020760.4); short protein forms G1177R, G821R.
Identifiers: ClinVar variation 2501959 (VCV002501959.1), dbSNP rs2468748167, ClinGen allele CA349958038.